The following is an entry in ClinVar:

ClinVar aggregate classification (germline): Uncertain significance (1 of 4 stars; one submission).

Allele frequency attached by ClinVar (database versions not stated): gnomAD exomes below 0.00001; ExAC 0.00001; gnomAD 0.00001.
gnomAD v4.1: 4 of 1,613,006 alleles (0.00025%); highest among the groups gnomAD compares: African/African-American, 0.004%; no homozygotes.

Submission:

Labcorp Genetics (formerly Invitae), Labcorp
Classification: Uncertain significance. Last evaluated: 2023-01-22. Review status: criteria provided, single submitter. Criteria: Invitae Variant Classification Sherloc (09022015). Collection method: clinical testing. Allele origin: germline.
Comment: The frequency data for this variant in the population databases is considered unreliable, as metrics indicate poor data quality at this position in the gnomAD database. In summary, the available evidence is currently insufficient to determine the role of this variant in disease. Therefore, it has been classified as a Variant of Uncertain Significance. Algorithms developed to predict the effect of missense changes on protein structure and function are either unavailable or do not agree on the potential impact of this missense change (SIFT: "Deleterious"; PolyPhen-2: "Benign"; Align-GVGD: "Class C0"). This variant has not been reported in the literature in individuals affected with DNM1L-related conditions. This sequence change replaces cysteine, which is neutral and slightly polar, with phenylalanine, which is neutral and non-polar, at codon 345 of the DNM1L protein (p.Cys345Phe).

NM_012062.5(DNM1L):c.1034G>T (p.Cys345Phe)

Gene: DNM1L (dynamin 1 like; plus strand). Cytogenetic location: 12p11.21.
Variant type: single nucleotide variant.
Coding change: c.1034G>T on transcript NM_012062.5 (MANE Select); coding-DNA position 1034, G replaced by T.
Protein change: p.Cys345Phe; replaces cysteine 345 with phenylalanine.
Molecular consequence: missense variant.
Genome position (GRCh38, 1-based): chr12:32,722,588, G>T. VCF-style: chr12-32722588-G-T. GRCh37 (hg19) VCF-style: chr12-32875522-G-T.
Other names: c.1034G>T, p.Cys345Phe (NM_001278463.2, NM_005690.5, NM_012063.4); c.1073G>T, p.Cys358Phe (NM_001278464.2, NM_001278465.2, NM_001330380.2); c.425G>T, p.Cys142Phe (NM_001278466.2); short protein forms C345F, C142F, C358F.
Identifiers: ClinVar variation 2831145 (VCV002831145.3), dbSNP rs763293775, ClinGen allele CA6507448.